The following is an entry in ClinVar:

ClinVar aggregate classification (germline): Pathogenic (1 of 4 stars; one submission).

Conditions:
Hereditary factor VIII deficiency disease (HEMA). Also called: HEMOPHILIA, CLASSIC; AUTOSOMAL HEMOPHILIA A; Hemophilia A; Hemophilia A, congenital; HEM A; Factor 8 deficiency, congenital. Identifiers: Orphanet 98878, MedGen C0019069, MONDO:0010602, OMIM 306700.

Submission:

Women's Health and Genetics/Laboratory Corporation of America, LabCorp
Classification: Pathogenic for Hereditary factor VIII deficiency disease. Last evaluated: 2024-06-18. Review status: criteria provided, single submitter. Criteria: LabCorp Variant Classification Summary - May 2015. Collection method: clinical testing. Allele origin: germline.
Comment: Variant summary: The variant involves the duplication of exons 13 in the F8 gene. A presumed nomenclature of c.(1903+1_1904-1)_(2113+1_2114-1)dup has been designated for the purposes of this classification. It is assumed to be a tandem duplication in direct orientation (PMIDs: 25640679, 30054569). This Copy Number Variant (CNV) is predicted to result in an in-frame duplication within this gene. The variant was absent in 16079 control chromosomes. c.(1903+1_1904-1)_(2113+1_2114-1)dup has been reported in the literature in multiple individuals affected with Factor VIII Deficiency (Hemophilia A) (example, Murru _1990, Rost_2008, Casula_1990, Maura_2004). These data indicate that the variant is very likely to be associated with disease. To our knowledge, no experimental evidence demonstrating an impact on protein function has been reported. The following publications have been ascertained in the context of this evaluation (PMID: 2159433, 18752578, 2105106, 15194549). No submitters have cited clinical-significance assessments for this variant to ClinVar. Based on the evidence outlined above, the variant was classified as pathogenic.

Literature cited by the submitters: PubMed 18752578; PubMed 2105106; PubMed 15194549; PubMed 2159433.

NC_000023.10:g.(154159952_154175972)_(154176183_154182166)dup

Gene: F8 (coagulation factor VIII; minus strand). Cytogenetic location: Xq28.
Variant type: Duplication.
Identifiers: ClinVar variation 3339990 (VCV003339990.1).